The following is an entry in ClinVar:

ClinVar aggregate classification (germline): Uncertain significance (1 of 4 stars; one submission).

Conditions:
Birt-Hogg-Dube syndrome. Also called: Birt Hogg Dubé syndrome. Identifiers: Orphanet 122, MedGen C0346010, MONDO:0800444.

Submission:

Labcorp Genetics (formerly Invitae), Labcorp
Classification: Uncertain significance for Birt-Hogg-Dube syndrome. Last evaluated: 2024-12-02. Review status: criteria provided, single submitter. Criteria: Invitae Variant Classification Sherloc (09022015). Collection method: clinical testing. Allele origin: germline.
Comment: This sequence change replaces valine, which is neutral and non-polar, with glycine, which is neutral and non-polar, at codon 569 of the FLCN protein (p.Val569Gly). This variant is not present in population databases (gnomAD no frequency). This variant has not been reported in the literature in individuals affected with FLCN-related conditions. An algorithm developed to predict the effect of missense changes on protein structure and function (PolyPhen-2) suggests that this variant is likely to be tolerated. In summary, the available evidence is currently insufficient to determine the role of this variant in disease. Therefore, it has been classified as a Variant of Uncertain Significance.

NM_144997.7(FLCN):c.1706T>G (p.Val569Gly)

Gene: FLCN (folliculin; minus strand). Cytogenetic location: 17p11.2.
Variant type: single nucleotide variant.
Coding change: c.1706T>G on transcript NM_144997.7 (MANE Select); coding-DNA position 1706, T replaced by G.
Protein change: p.Val569Gly; replaces valine 569 with glycine.
Molecular consequence: missense variant.
Genome position (GRCh38, 1-based): chr17:17,213,689, A>C on the plus strand (T>G on the coding strand, the complement: FLCN is on the minus strand). VCF-style: chr17-17213689-A-C. GRCh37 (hg19) VCF-style: chr17-17117003-A-C.
Other names: c.1706T>G, p.Val569Gly (NM_001353231.2, NM_001353230.2); c.1760T>G, p.Val587Gly (NM_001353229.2); short protein forms V569G, V587G.
Identifiers: ClinVar variation 3726451 (VCV003726451.2).